The following is an entry in ClinVar:

ClinVar aggregate classification (germline): Uncertain significance. Review status: criteria provided, multiple submitters, no conflicts (2 of 4 stars). 4 submissions from 4 submitters: Uncertain significance (4). Last evaluated 2023-03-09.

Conditions:
Epidermolysis bullosa simplex 3, localized or generalized intermediate, with BP230 deficiency (EBS3). Also called: Epidermolysis bullosa simplex due to BP230 deficiency; Epidermolysis bullosa simplex, autosomal recessive 2. Identifiers: Orphanet 412181, MedGen C3809470, MONDO:0014180, OMIM 615425.
Hereditary sensory and autonomic neuropathy type 6. Also called: Neuropathy, hereditary sensory and autonomic, type VI; HSAN VI. Identifiers: Orphanet 314381, MedGen C3539003, MONDO:0013839, OMIM 614653.
Inborn genetic diseases. Identifiers: MedGen C0950123, MeSH D030342.

Allele frequency attached by ClinVar (database versions not stated): gnomAD exomes 0.00002 and 0.00007; ESP Exome Variant Server 0.00008; ExAC 0.00009; 1000 Genomes Project 0.00020; gnomAD 0.00028 and 0.00031; 1000 Genomes Project 30x 0.00031; TOPMed 0.00031.
gnomAD v4.1: 79 of 1,613,922 alleles (0.0049%); highest among the groups gnomAD compares: African/African-American, 0.088%; no homozygotes.

Submissions (4):

Ambry Genetics
Classification: Uncertain significance for Inborn genetic diseases. Last evaluated: 2023-03-09. Review status: criteria provided, single submitter. Criteria: Ambry Variant Classification Scheme 2023. Collection method: clinical testing. Allele origin: germline.

Labcorp Genetics (formerly Invitae), Labcorp
Classification: Uncertain significance for Epidermolysis bullosa simplex 3, localized or generalized intermediate, with BP230 deficiency; Hereditary sensory and autonomic neuropathy type 6. Last evaluated: 2022-08-23. Review status: criteria provided, single submitter. Criteria: Invitae Variant Classification Sherloc (09022015). Collection method: clinical testing. Allele origin: germline.
Comment: This sequence change replaces aspartic acid, which is acidic and polar, with glutamic acid, which is acidic and polar, at codon 519 of the DST protein (p.Asp519Glu). This variant is present in population databases (rs147124522, gnomAD 0.08%). This variant has not been reported in the literature in individuals affected with DST-related conditions. ClinVar contains an entry for this variant (Variation ID: 951621). Algorithms developed to predict the effect of missense changes on protein structure and function (SIFT, PolyPhen-2, Align-GVGD) all suggest that this variant is likely to be disruptive. In summary, the available evidence is currently insufficient to determine the role of this variant in disease. Therefore, it has been classified as a Variant of Uncertain Significance.

GeneDx
Classification: Uncertain significance. Last evaluated: 2022-06-30. Review status: criteria provided, single submitter. Criteria: GeneDx Variant Classification Process June 2021. Collection method: clinical testing. Allele origin: germline. Affected: yes.
Comment: Has not been previously published as pathogenic or benign to our knowledge; In silico analysis supports that this missense variant has a deleterious effect on protein structure/function

Breakthrough Genomics
Classification: Uncertain significance. Review status: criteria provided, single submitter. Criteria: ACMG Guidelines, 2015. Collection method: not provided. Allele origin: germline. Inheritance: Autosomal recessive inheritance. Affected: yes.

NM_001374736.1(DST):c.3168C>A (p.Asp1056Glu)

Gene: DST (dystonin; minus strand). Cytogenetic location: 6p12.1.
Variant type: single nucleotide variant.
Coding change: c.3168C>A on transcript NM_001374736.1 (MANE Select); coding-DNA position 3168, C replaced by A.
Protein change: p.Asp1056Glu; replaces aspartic acid 1056 with glutamic acid.
Molecular consequence: missense variant.
Genome position (GRCh38, 1-based): chr6:56,635,607, G>T on the plus strand (C>A on the coding strand, the complement: DST is on the minus strand). VCF-style: chr6-56635607-G-T. GRCh37 (hg19) VCF-style: chr6-56500405-G-T.
Other names: c.3069C>A (NM_001144769.2); c.3069C>A, p.Asp1023Glu (NM_001144769.5); c.2655C>A, p.Asp885Glu (NM_001144770.2); c.3168C>A, p.Asp1056Glu (NM_001374722.1); c.2535C>A, p.Asp845Glu (NM_001374729.1, NM_001374730.1, NM_001386100.1 and 1 more transcripts); c.3195C>A, p.Asp1065Glu (NM_001374734.1); c.1557C>A, p.Asp519Glu (NM_001723.7, NM_015548.5); short protein forms D1065E, D1056E, D519E, D845E, D1023E, D885E.
Identifiers: ClinVar variation 951621 (VCV000951621.10), dbSNP rs147124522, ClinGen allele CA3871224.
Genomic context (GRCh38, chr6:56,635,607, plus strand): 5'-ACTTATGCATACTTATAAAATGCATAGGTTTTGTATTAGTACCATTGATTCCTGAACAAG[G>T]TCTTCTAGCTTGTGAATGCTGCTTGATCTATCACAGCTGTACTTCCGCTGAATGGCATCT-3'
Protein context (NP_001361665.1, residues 1046-1066): DRSSSIHKLE[Asp1056Glu]LVQESMEEKE